The following is an entry in ClinVar:

NM_003664.5(AP3B1):c.3117G>C (p.Gln1039His)

Gene: AP3B1 (adaptor related protein complex 3 subunit beta 1; minus strand). Cytogenetic location: 5q14.1.
Variant type: single nucleotide variant.
Coding change: c.3117G>C on transcript NM_003664.5 (MANE Select); coding-DNA position 3117, G replaced by C.
Protein change: p.Gln1039His; replaces glutamine 1039 with histidine.
Molecular consequence: missense variant.
Genome position (GRCh38, 1-based): chr5:78,015,424, C>G on the plus strand (G>C on the coding strand, the complement: AP3B1 is on the minus strand). VCF-style: chr5-78015424-C-G. GRCh37 (hg19) VCF-style: chr5-77311248-C-G.
Other names: c.2970G>C, p.Gln990His (NM_001271769.2); short protein forms Q990H, Q1039H.
Identifiers: ClinVar variation 3721934 (VCV003721934.2).
Genomic context (GRCh38, chr5:78,015,424, plus strand): 5'-ATATTCAAGTCATCTTCACCTCCACATCGTGTGTTAGTGAACCTACCTGTGTATATTATC[C>G]TGGCCAGAAGGGACTGCACCTACATTGGCTACATTTACAACCTTCTGAAAGATCACAGAG-3'
Protein context (NP_003655.3, residues 1029-1049): VANVGAVPSG[Gln1039His]DNIHRFAAKT

ClinVar aggregate classification (germline): Uncertain significance (1 of 4 stars; one submission).

Conditions:
Hermansky-Pudlak syndrome 2 (HPS2). Also called: Platelet defects and oculocutaneous albinism. Identifiers: Orphanet 183678, Orphanet 79430, MedGen C1842362, MONDO:0011997, OMIM 608233.

Submission:

Labcorp Genetics (formerly Invitae), Labcorp
Classification: Uncertain significance for Hermansky-Pudlak syndrome 2. Last evaluated: 2024-09-30. Review status: criteria provided, single submitter. Criteria: Invitae Variant Classification Sherloc (09022015). Collection method: clinical testing. Allele origin: germline.
Comment: This sequence change replaces glutamine, which is neutral and polar, with histidine, which is basic and polar, at codon 1039 of the AP3B1 protein (p.Gln1039His). This variant is not present in population databases (gnomAD no frequency). This variant has not been reported in the literature in individuals affected with AP3B1-related conditions. An algorithm developed to predict the effect of missense changes on protein structure and function (PolyPhen-2) suggests that this variant is likely to be tolerated. In summary, the available evidence is currently insufficient to determine the role of this variant in disease. Therefore, it has been classified as a Variant of Uncertain Significance.